The following is an entry in ClinVar:

NM_000424.4(KRT5):c.709C>T (p.Arg237Trp)

Genes: KRT5 (keratin 5; minus strand), LOC126861526 (BRD4-independent group 4 enhancer GRCh37_chr12:52912066-52913265; plus strand). Cytogenetic location: 12q13.13.
Variant type: single nucleotide variant.
Coding change: c.709C>T on transcript NM_000424.4 (MANE Select); coding-DNA position 709, C replaced by T.
Protein change: p.Arg237Trp; replaces arginine 237 with tryptophan.
Molecular consequence: missense variant.
Genome position (GRCh38, 1-based): chr12:52,519,007, G>A on the plus strand (C>T on the coding strand, the complement: KRT5 is on the minus strand). VCF-style: chr12-52519007-G-A. GRCh37 (hg19) VCF-style: chr12-52912791-G-A.
Other names: short protein forms R237W.
Identifiers: ClinVar variation 2976079 (VCV002976079.3), dbSNP rs537370039, ClinGen allele CA6582770.
Genomic context (GRCh38, chr12:52,519,007, plus strand): 5'-TGTTCTTGAAGTCTTCCACCAGGTCCTGCATGTTTCTCAGCTCTGAGTCCAGGCGGCCCC[G>A]TTCCCCCACGATGCTGTCCAGCTGCCTCCTGAGGTTGTTGATGTACTGCTCGAACAACGG-3'
Protein context (NP_000415.2, residues 227-247): RRQLDSIVGE[Arg237Trp]GRLDSELRNM

ClinVar aggregate classification (germline): Uncertain significance (1 of 4 stars; one submission).

Allele frequency attached by ClinVar (database versions not stated): TOPMed below 0.00001; ExAC 0.00001; gnomAD 0.00001; 1000 Genomes Project 30x 0.00016; 1000 Genomes Project 0.00020.
gnomAD v4.1: 19 of 1,614,112 alleles (0.0012%); highest among the groups gnomAD compares: East Asian, 0.0067%; no homozygotes.

Submission:

Labcorp Genetics (formerly Invitae), Labcorp
Classification: Uncertain significance. Last evaluated: 2023-12-07. Review status: criteria provided, single submitter. Criteria: Invitae Variant Classification Sherloc (09022015). Collection method: clinical testing. Allele origin: germline.
Comment: This sequence change replaces arginine, which is basic and polar, with tryptophan, which is neutral and slightly polar, at codon 237 of the KRT5 protein (p.Arg237Trp). This variant is present in population databases (rs537370039, gnomAD 0.006%). This variant has not been reported in the literature in individuals affected with KRT5-related conditions. Advanced modeling of protein sequence and biophysical properties (such as structural, functional, and spatial information, amino acid conservation, physicochemical variation, residue mobility, and thermodynamic stability) has been performed at Invitae for this missense variant, however the output from this modeling did not meet the statistical confidence thresholds required to predict the impact of this variant on KRT5 protein function. In summary, the available evidence is currently insufficient to determine the role of this variant in disease. Therefore, it has been classified as a Variant of Uncertain Significance.